The following is an entry in ClinVar:

NM_014625.4(NPHS2):c.790G>C (p.Glu264Gln)

Genes: AXDND1 (axonemal dynein light chain domain containing 1; plus strand), NPHS2 (NPHS2 stomatin family member, podocin; minus strand). Cytogenetic location: 1q25.2.
Variant type: single nucleotide variant.
Coding change: c.790G>C on transcript NM_014625.4 (MANE Select); coding-DNA position 790, G replaced by C.
Protein change: p.Glu264Gln; replaces glutamic acid 264 with glutamine.
Molecular consequence: missense variant. On other transcripts: intron variant (1).
Genome position (GRCh38, 1-based): chr1:179,554,480, C>G on the plus strand (G>C on the coding strand, the complement: NPHS2 is on the minus strand). VCF-style: chr1-179554480-C-G. GRCh37 (hg19) VCF-style: chr1-179523615-C-G.
Other names: c.586G>C, p.Glu196Gln (NM_001297575.2); c.3032-32C>G (NM_144696.6); short protein forms E264Q, E196Q.
Identifiers: ClinVar variation 447883 (VCV000447883.26), dbSNP rs369697947, ClinGen allele CA1267129.
Genomic context (GRCh38, chr1:179,554,480, plus strand): 5'-GAAACCAGAATATTTTCCTTTATCATACAGTTCTTGCTAGTTAATTTCCTACCCACATTT[C>G]TATTCTCTCCACTTTGATTCCCCAAATACAGGTCACTGAATCCAAGGCAACCTGTGGAAA-3'
Protein context (NP_055440.1, residues 254-274): CIWGIKVERI[Glu264Gln]IKDVRLPAGL

ClinVar aggregate classification (germline): Conflicting classifications of pathogenicity. Review status: criteria provided, conflicting classifications (1 of 4 stars). 12 submissions from 12 submitters: Pathogenic (1); Likely pathogenic (4); Uncertain significance (6). 1 of the submissions does not count toward it. Last evaluated 2026-01-22.

Conditions:
NPHS2-related disorder. Also called: NPHS2-related condition.
Nephrotic syndrome, type 2 (NPHS2). Also called: NEPHROTIC SYNDROME, STEROID-RESISTANT, AUTOSOMAL RECESSIVE. Identifiers: Orphanet 656, MedGen C1868672, MONDO:0010974, OMIM 600995.
Steroid-resistant nephrotic syndrome. Identifiers: MedGen C0403397, MONDO:0044765, HP:0012588.

Allele frequency attached by ClinVar (database versions not stated): gnomAD 0.00016 and 0.00018; gnomAD exomes 0.00025 and 0.00028; TOPMed 0.00027; ExAC 0.00031; ESP Exome Variant Server 0.00038.
gnomAD v4.1: 382 of 1,614,014 alleles (0.024%); highest among the groups gnomAD compares: Admixed American, 0.063%; no homozygotes.

Submissions (12):

Labcorp Genetics (formerly Invitae), Labcorp
Classification: Pathogenic. Last evaluated: 2026-01-22. Review status: criteria provided, single submitter. Criteria: Invitae Variant Classification Sherloc (09022015). Collection method: clinical testing. Allele origin: germline.
Comment: This sequence change replaces glutamic acid, which is acidic and polar, with glutamine, which is neutral and polar, at codon 264 of the NPHS2 protein (p.Glu264Gln). This variant is present in population databases (rs369697947, gnomAD 0.08%). This missense change has been observed in individual(s) with childhood nephrotic syndrome (PMID: 35368817, 36239278; internal data). In at least one individual the data is consistent with being in trans (on the opposite chromosome) from a pathogenic variant. It has also been observed to segregate with disease in related individuals. ClinVar contains an entry for this variant (Variation ID: 447883). Invitae Evidence Modeling of protein sequence and biophysical properties (such as structural, functional, and spatial information, amino acid conservation, physicochemical variation, residue mobility, and thermodynamic stability) has been performed for this missense variant. However, the output from this modeling did not meet the statistical confidence thresholds required to predict the impact of this variant on NPHS2 protein function. For these reasons, this variant has been classified as Pathogenic.

Dasa
Classification: Likely pathogenic. Last evaluated: 2026-01-13. Review status: criteria provided, single submitter. Criteria: DASA Assertion Criteria. Collection method: clinical testing. Allele origin: germline.
Comment: NM_014625.4(NPHS2):c.790G>C (p.Glu264Gln) is a missense variant that results in the substitution of glutamic acid with glutamine. This variant has been observed in affected individuals with related phenotype in a genotype context consistent with recessive disease (PMID: 35368817; PMID: 20947785; PMID: 36239278). This variant has been recurrently observed in individuals with related phenotype (PMID: 35368817; PMID: 20947785; PMID: 36239278). Multiple computational predictions support a deleterious effect on the gene or gene product. The variant is present at low frequency in population datasets. Based on the available data, this variant is classified as likely pathogenic.

Women's Health and Genetics/Laboratory Corporation of America, LabCorp
Classification: Uncertain significance. Last evaluated: 2026-01-05. Review status: criteria provided, single submitter. Criteria: LabCorp Variant Classification Summary - May 2015. Collection method: clinical testing. Allele origin: germline.
Comment: Variant summary: NPHS2 c.790G>C (p.Glu264Gln) results in a conservative amino acid change located in the Band 7 domain (IPR001107) of the encoded protein sequence. Algorithms developed to predict the effect of missense changes on protein structure and function are either unavailable or do not agree on the potential impact of this missense change. The variant allele was found at a frequency of 0.00029 in 251744 control chromosomes. This frequency is not significantly higher than estimated for a pathogenic variant in NPHS2 causing Nephrotic Syndrome, Type 2 (0.00029 vs 0.0018), allowing no conclusion about variant significance. c.790G>C has been reported in the literature in at-least three individual affected with Infantile nephrotic syndrome, including a pair of siblings (example, Bekheirnia_2020, BenMoshe_2022, Santin_2011, internal data). These data indicate that the variant may be associated with disease. To our knowledge, no experimental evidence demonstrating an impact on protein function has been reported. The following publications have been ascertained in the context of this evaluation (PMID: 35368817, 36239278, 20947785). ClinVar contains an entry for this variant (Variation ID: 447883). Based on the evidence outlined above, the variant was classified as VUS-possibly pathogenic.

Natera, Inc.
Classification: Likely pathogenic for Steroid-resistant nephrotic syndrome. Last evaluated: 2025-11-18. Review status: criteria provided, single submitter. Criteria: Natera Variant Classification Schema (03/2026). Collection method: clinical testing. Allele origin: germline.
Comment: The c.790G>C variant in NPHS2 is a missense variant predicted to cause substitution of glutamic acid to glutamine at amino acid 264. This variant is rare in the general population with a frequency below the threshold expected for the associated phenotype(s). This variant has been observed in one or more individuals affected with the associated recessive disease, as either homozygous or compound heterozygous with a second variant (PMID: 35368817). Additionally, this variant has been observed to segregate in affected family members (PMID: 35368817). Computational prediction algorithms indicate this variant is likely to affect gene or protein function. Given the available evidence, this variant is classified as Likely Pathogenic.

PreventionGenetics, part of Exact Sciences
Classification: Uncertain significance for NPHS2-related condition. Last evaluated: 2025-11-07. Review status: criteria provided, single submitter. Criteria: ACMG Guidelines, 2015. Collection method: clinical testing. Allele origin: germline.
Comment: The NPHS2 c.790G>C variant is predicted to result in the amino acid substitution p.Glu264Gln. This variant has been reported in trans with a pathogenic variant in NPHS2 in an individual and the siblings with nephrotic syndrome (Table 2. Ben Moshe et al. 2022. PubMed ID: 36239278; Table 2. Bekheirnia et al. 2020. PubMed ID: 35368817). However this variant was reported in two patients with steroid-resistant nephrotic syndrome; it is not clear if a second NPHS2 variant was detected and pathogenicity was not established (Reported as E264Q in Santín S et al 2010. PubMed ID: 20947785). This variant is reported in 0.090% of alleles in individuals of Latino descent in gnomAD. Although we suspect that this variant may be pathogenic, at this time, the clinical significance of this variant is uncertain due to the absence of conclusive functional and genetic evidence.

Fulgent Genetics
Classification: Likely pathogenic for Nephrotic syndrome, type 2. Last evaluated: 2024-04-26. Review status: criteria provided, single submitter. Criteria: ACMG Guidelines, 2015. Collection method: clinical testing. Allele origin: germline.

Baylor Genetics
Classification: Uncertain significance for Nephrotic syndrome, type 2. Last evaluated: 2022-07-09. Review status: criteria provided, single submitter. Criteria: ACMG Guidelines, 2015. Collection method: clinical testing. Allele origin: unknown.

Victorian Clinical Genetics Services, Murdoch Childrens Research Institute
Classification: Uncertain significance for Nephrotic syndrome, type 2. Last evaluated: 2022-02-02. Review status: criteria provided, single submitter. Criteria: ACMG Guidelines, 2015. Collection method: clinical testing. Allele origin: germline. Inheritance: Autosomal recessive inheritance. Affected: yes.
Comment: Based on the classification scheme VCGS_Germline_v1.3.4, this variant is classified as VUS-3B. Following criteria are met: 0102 - Loss of function is a known mechanism of disease in this gene and is associated with Nephrotic syndrome, type 2 (MIM#600995). (I) 0106 - This gene is associated with autosomal recessive disease. (I) 0200 - Variant is predicted to result in a missense amino acid change from glutamic acid to glutamine. (I) 0251 - This variant is heterozygous. (I) 0304 - Variant is present in gnomAD (v2) <0.01 for a recessive condition (74 heterozygotes, 0 homozygotes). (SP) 0309 - An alternative amino acid change at the same position has been observed in gnomAD (v2) (1 heterozygotes, 0 homozygotes). (I) 0501 - Missense variant consistently predicted to be damaging by multiple in silico tools or highly conserved with a major amino acid change. (SP) 0600 - Variant is located in the annotated SPFH domain (NCBI, Decipher). (I) 0705 - No comparable missense variants have previous evidence for pathogenicity. (I) 0808 - Previous reports of pathogenicity for this variant are conflicting. This variant has been reported as both VUS and likely pathgenic in ClinVar. It has also been found in heterozygous state in two controls and two individuals with steroid-resistant nephrotic syndrome (PMID: 20947785). (I) 0905 - No published segregation evidence has been identified for this variant. (I) 1007 - No published functional evidence has been identified for this variant. (I) 1208 - Inheritance information for this variant is not currently available in this individual. (I) Legend: (SP) - Supporting pathogenic, (I) - Information, (SB) - Supporting benign

Revvity Omics, Revvity
Classification: Uncertain significance for Nephrotic syndrome, type 2. Last evaluated: 2021-09-02. Review status: criteria provided, single submitter. Criteria: ACMG Guidelines, 2015. Collection method: clinical testing. Allele origin: germline.

Athena Diagnostics
Classification: Likely pathogenic. Last evaluated: 2019-01-18. Review status: criteria provided, single submitter. Criteria: Athena Diagnostics Criteria. Collection method: clinical testing. Allele origin: germline.
Comment: The best available variant frequency is uninformative because it is below the disease allele frequency. Predicted to have a damaging effect on the protein. Located in potentially critical domain of the protein. Moderate co-segregation with disease. However, available data are from a single family.

Illumina Laboratory Services, Illumina
Classification: Uncertain significance for Nephrotic syndrome, type 2. Last evaluated: 2017-04-27. Review status: criteria provided, single submitter. Criteria: ICSL Variant Classification Criteria 13 December 2019. Collection method: clinical testing. Allele origin: germline.

Counsyl
Classification: Uncertain significance for Nephrotic syndrome, type 2. Last evaluated: 2018-04-02. Review status: no assertion criteria provided. Collection method: clinical testing. Allele origin: unknown. Not counted in ClinVar's aggregate classification.

Literature cited by the submitters: PubMed 35368817 (cited by 4 submitters); PubMed 36239278 (cited by 3 submitters); PubMed 20947785 (cited by 5 submitters); PubMed 30260545 (cited by Athena Diagnostics); PubMed 24227627 (cited by Athena Diagnostics).